The following is an entry in ClinVar:

NM_001197104.2(KMT2A):c.9983A>C (p.His3328Pro)

Gene: KMT2A (lysine methyltransferase 2A; plus strand). Cytogenetic location: 11q23.3.
Variant type: single nucleotide variant.
Coding change: c.9983A>C on transcript NM_001197104.2 (MANE Select); coding-DNA position 9983, A replaced by C.
Protein change: p.His3328Pro; replaces histidine 3328 with proline.
Molecular consequence: missense variant.
Genome position (GRCh38, 1-based): chr11:118,505,875, A>C. VCF-style: chr11-118505875-A-C. GRCh37 (hg19) VCF-style: chr11-118376590-A-C.
Other names: c.10073A>C, p.His3358Pro (NM_001412597.1); c.9974A>C, p.His3325Pro (NM_005933.4); short protein forms H3358P, H3325P, H3328P.
Identifiers: ClinVar variation 2110476 (VCV002110476.4), dbSNP rs1555048042, ClinGen allele CA382822405.

ClinVar aggregate classification (germline): Uncertain significance (1 of 4 stars; one submission).

Allele frequency attached by ClinVar (database versions not stated): gnomAD exomes below 0.00001.
gnomAD v4.1: 2 of 1,614,118 alleles (0.00012%); highest among the groups gnomAD compares: Admixed American, 0.0033%; no homozygotes.

Submission:

Labcorp Genetics (formerly Invitae), Labcorp
Classification: Uncertain significance. Last evaluated: 2025-10-20. Review status: criteria provided, single submitter. Criteria: Invitae Variant Classification Sherloc (09022015). Collection method: clinical testing. Allele origin: germline.
Comment: This sequence change replaces histidine, which is basic and polar, with proline, which is neutral and non-polar, at codon 3328 of the KMT2A protein (p.His3328Pro). This variant is present in population databases (no rsID available, gnomAD 0.003%). This variant has not been reported in the literature in individuals affected with KMT2A-related conditions. ClinVar contains an entry for this variant (Variation ID: 2110476). Invitae Evidence Modeling of protein sequence and biophysical properties (such as structural, functional, and spatial information, amino acid conservation, physicochemical variation, residue mobility, and thermodynamic stability) indicates that this missense variant is not expected to disrupt KMT2A protein function with a negative predictive value of 95%. In summary, the available evidence is currently insufficient to determine the role of this variant in disease. Therefore, it has been classified as a Variant of Uncertain Significance.